The following is an entry in ClinVar:

NM_001987.5(ETV6):c.622A>G (p.Met208Val)

Gene: ETV6 (ETS variant transcription factor 6; plus strand). Cytogenetic location: 12p13.2.
Variant type: single nucleotide variant.
Coding change: c.622A>G on transcript NM_001987.5 (MANE Select); coding-DNA position 622, A replaced by G.
Protein change: p.Met208Val; replaces methionine 208 with valine.
Molecular consequence: missense variant.
Genome position (GRCh38, 1-based): chr12:11,869,582, A>G. VCF-style: chr12-11869582-A-G. GRCh37 (hg19) VCF-style: chr12-12022516-A-G.
Other names: c.619A>G, p.Met207Val (NM_001413913.1); c.595A>G, p.Met199Val (NM_001413914.1); c.358A>G, p.Met120Val (NM_001413915.1); c.622A>G, p.Met208Val (NM_001413916.1, NM_001413917.1); short protein forms M207V, M199V, M208V, M120V.
Identifiers: ClinVar variation 4618848 (VCV004618848.1).
Genomic context (GRCh38, chr12:11,869,582, plus strand): 5'-ACAAATCACCGGCCTTCTCCTGACCCCGAGCAGCGGCCCCTCCGGTCCCCCCTGGACAAC[A>G]TGATCCGCCGCCTCTCCCCGGCTGAGAGAGCTCAGGGACCCAGGCCGCACCAGGAGAACA-3'
Protein context (NP_001978.1, residues 198-218): QRPLRSPLDN[Met208Val]IRRLSPAERA

ClinVar aggregate classification (germline): Uncertain significance (1 of 4 stars; one submission).

Conditions:
Inborn genetic diseases. Identifiers: MedGen C0950123, MeSH D030342.

Submission:

Ambry Genetics
Classification: Uncertain significance for Inborn genetic diseases. Last evaluated: 2025-10-03. Review status: criteria provided, single submitter. Criteria: Ambry Variant Classification Scheme 2023. Collection method: clinical testing. Allele origin: germline.
Comment: The p.M208V variant (also known as c.622A>G), located in coding exon 5 of the ETV6 gene, results from an A to G substitution at nucleotide position 622. The methionine at codon 208 is replaced by valine, an amino acid with highly similar properties. This amino acid position is conserved. In addition, this alteration is predicted to be tolerated by in silico analysis. Based on the available evidence, the clinical significance of this variant remains unclear.